The following is an entry in ClinVar:

NM_000038.6(APC):c.4776A>G (p.Lys1592=)

Gene: APC (APC regulator of Wnt signaling pathway; plus strand). Cytogenetic location: 5q22.2.
Variant type: single nucleotide variant.
Coding change: c.4776A>G on transcript NM_000038.6 (MANE Select); coding-DNA position 4776, A replaced by G.
Protein change: p.Lys1592=; no amino-acid change (lysine 1592 retained).
Molecular consequence: synonymous variant.
Genome position (GRCh38, 1-based): chr5:112,840,370, A>G. VCF-style: chr5-112840370-A-G. GRCh37 (hg19) VCF-style: chr5-112176067-A-G.
Other names: c.4776A>G, p.Lys1592= (NM_001127510.3, NM_001354895.2); c.4722A>G, p.Lys1574= (NM_001127511.3); c.4830A>G, p.Lys1610= (NM_001354896.2); c.4806A>G, p.Lys1602= (NM_001354897.2); c.4701A>G, p.Lys1567= (NM_001354898.2); c.4692A>G, p.Lys1564= (NM_001354899.2); c.4653A>G, p.Lys1551= (NM_001354900.2); c.4599A>G, p.Lys1533= (NM_001354901.2); and 5 more.
Identifiers: ClinVar variation 236608 (VCV000236608.17), dbSNP rs878853452, ClinGen allele CA10582319.

ClinVar aggregate classification (germline): Benign/Likely benign. Review status: criteria provided, multiple submitters, no conflicts (2 of 4 stars). 3 submissions from 3 submitters: Benign (1); Likely benign (2). Last evaluated 2025-10-28.

Conditions:
Hereditary cancer-predisposing syndrome. Also called: Hereditary neoplastic syndrome; Hereditary Cancer Syndrome; Neoplastic Syndromes, Hereditary; Tumor predisposition. Identifiers: Orphanet 140162, MedGen C0027672, MeSH D009386, MONDO:0015356.
Familial adenomatous polyposis 1 (FAP1). Also called: FAMILIAL ADENOMATOUS POLYPOSIS 1, ATTENUATED; POLYPOSIS, ADENOMATOUS INTESTINAL. Identifiers: MedGen C2713442, MONDO:0021056, OMIM 175100. Disease mechanism: loss of function.

Allele frequency attached by ClinVar (database versions not stated): gnomAD exomes below 0.00001; gnomAD 0.00001; TOPMed 0.00001.
gnomAD v4.1: 2 of 1,614,094 alleles (0.00012%); highest among the groups gnomAD compares: African/African-American, 0.0013%; no homozygotes.

Submissions (3):

Labcorp Genetics (formerly Invitae), Labcorp
Classification: Likely benign for Familial adenomatous polyposis 1. Last evaluated: 2025-10-28. Review status: criteria provided, single submitter. Criteria: Invitae Variant Classification Sherloc (09022015). Collection method: clinical testing. Allele origin: germline.

Myriad Genetics, Inc.
Classification: Benign for Familial adenomatous polyposis 1. Last evaluated: 2024-03-27. Review status: criteria provided, single submitter. Criteria: Myriad Autosomal Dominant, Autosomal Recessive and X-Linked Classification Criteria (2023). Collection method: clinical testing. Allele origin: unknown.
Comment: This variant is considered benign. This variant is a silent/synonymous amino acid change and it is not expected to impact splicing.

Ambry Genetics
Classification: Likely benign for Hereditary cancer-predisposing syndrome. Last evaluated: 2019-09-06. Review status: criteria provided, single submitter. Criteria: Ambry Variant Classification Scheme 2023. Collection method: clinical testing. Allele origin: germline.